The following is an entry in ClinVar:

ClinVar aggregate classification (germline): Conflicting classifications of pathogenicity. Review status: criteria provided, conflicting classifications (1 of 4 stars). 7 submissions from 7 submitters: Pathogenic (1); Likely pathogenic (1); Uncertain significance (5). Last evaluated 2026-07-17.

Conditions:
Cardiovascular phenotype. Identifiers: MedGen CN230736.
Loeys-Dietz syndrome 2 (LDS2). Also called: TGFBR2-Related Loeys-Dietz Syndrome; Marfan Syndrome type 2; Marfan like connective tissue disorder; MFS 2; AORTIC ANEURYSM, FAMILIAL THORACIC 3; MARFAN SYNDROME, TYPE II. Identifiers: Orphanet 284973, Orphanet 558, MedGen C2674574, MONDO:0012427, OMIM 610168.
Colorectal cancer, hereditary nonpolyposis, type 6. Also called: Colon cancer, hereditary nonpolyposis, type 6; Colon cancer, hereditary nonpolyposis, type 6, somatic. Identifiers: Orphanet 144, MedGen C1860896, MONDO:0013695, OMIM 614331.
Malignant tumor of esophagus. Also called: Esophageal cancer; Esophageal cancer, somatic. Identifiers: Orphanet 99977, MedGen C0546837, MONDO:0007576, OMIM 133239.
Familial thoracic aortic aneurysm and aortic dissection (TAAD). Also called: Thoracic aortic aneurysms and dissections. Identifiers: Orphanet 91387, MedGen C4707243, MONDO:0019625.

Allele frequency attached by ClinVar (database versions not stated): gnomAD exomes below 0.00001; ExAC 0.00001; TOPMed 0.00001.
gnomAD v4.1: 2 of 1,610,334 alleles (0.00012%); highest among the groups gnomAD compares: Non-Finnish European, 0.000085%; no homozygotes.

Submissions (7):

GeneDx
Classification: Uncertain significance. Last evaluated: 2026-07-17. Review status: criteria provided, single submitter. Criteria: GeneDx Variant Classification Process June 2021. Collection method: clinical testing. Allele origin: germline.
Comment: Not observed at significant frequency in large population cohorts (gnomAD); In silico analysis suggests that this missense variant does not alter protein structure/function; This variant is associated with the following publications: (PMID: 33726816, 24199744, 30701076, 38652248)

Labcorp Genetics (formerly Invitae), Labcorp
Classification: Pathogenic for Familial thoracic aortic aneurysm and aortic dissection. Last evaluated: 2026-01-06. Review status: criteria provided, single submitter. Criteria: Invitae Variant Classification Sherloc (09022015). Collection method: clinical testing. Allele origin: germline.
Comment: This sequence change replaces valine, which is neutral and non-polar, with methionine, which is neutral and non-polar, at codon 376 of the TGFBR2 protein (p.Val376Met). This variant is present in population databases (rs755967723, gnomAD 0.005%). This missense change has been observed in individuals with clinical features of TGFBR2-related conditions (PMID: 24199744; internal data). ClinVar contains an entry for this variant (Variation ID: 408436). Invitae Evidence Modeling of protein sequence and biophysical properties (such as structural, functional, and spatial information, amino acid conservation, physicochemical variation, residue mobility, and thermodynamic stability) indicates that this missense variant is expected to disrupt TGFBR2 protein function with a positive predictive value of 95%. For these reasons, this variant has been classified as Pathogenic.

Mayo Clinic Laboratories, Mayo Clinic
Classification: Likely pathogenic. Last evaluated: 2025-08-19. Review status: criteria provided, single submitter. Criteria: ACMG Guidelines, 2015. Collection method: clinical testing. Allele origin: germline. Observed: 3 variant alleles.
Comment: PP3_strong, PP4, PM2_supporting

Molecular Diagnostic Laboratory for Inherited Cardiovascular Disease, Montreal Heart Institute
Classification: Uncertain significance for Cardiovascular phenotype. Last evaluated: 2025-04-09. Review status: criteria provided, single submitter. Criteria: ACMG Guidelines, 2015. Collection method: clinical testing. Allele origin: germline. Affected: yes.
Comment: PM2, PS4_supp, PP2, PP3

Blueprint Genetics
Classification: Uncertain significance. Last evaluated: 2021-11-25. Review status: criteria provided, single submitter. Criteria: ACMG Guidelines, 2015. Collection method: clinical testing. Allele origin: germline.

Ambry Genetics
Classification: Uncertain significance for Familial thoracic aortic aneurysm and aortic dissection. Last evaluated: 2018-11-20. Review status: criteria provided, single submitter. Criteria: Ambry Variant Classification Scheme 2023. Collection method: clinical testing. Allele origin: germline.
Comment: The p.V376M variant (also known as c.1126G>A), located in coding exon 4 of the TGFBR2 gene, results from a G to A substitution at nucleotide position 1126. The valine at codon 376 is replaced by methionine, an amino acid with highly similar properties, and is located in the protein kinase domain. This amino acid position is well conserved in available vertebrate species. In addition, this alteration is predicted to be deleterious by in silico analysis. Since supporting evidence is limited at this time, the clinical significance of this variant remains unclear.

Fulgent Genetics
Classification: Uncertain significance for Malignant tumor of esophagus; Loeys-Dietz syndrome 2; Colorectal cancer, hereditary nonpolyposis, type 6. Last evaluated: 2018-10-31. Review status: criteria provided, single submitter. Criteria: ACMG Guidelines, 2015. Collection method: clinical testing. Allele origin: unknown.

Literature cited by the submitters: PubMed 24199744 (cited by 3 submitters); PubMed 33726816 (cited by Mayo Clinic Laboratories, Mayo Clinic); PubMed 38652248 (cited by Mayo Clinic Laboratories, Mayo Clinic).

NM_003242.6(TGFBR2):c.1126G>A (p.Val376Met)

Gene: TGFBR2 (transforming growth factor beta receptor 2; plus strand). Cytogenetic location: 3p24.1.
Variant type: single nucleotide variant.
Coding change: c.1126G>A on transcript NM_003242.6 (MANE Select); coding-DNA position 1126, G replaced by A.
Protein change: p.Val376Met; replaces valine 376 with methionine.
Molecular consequence: missense variant.
Genome position (GRCh38, 1-based): chr3:30,672,309, G>A. VCF-style: chr3-30672309-G-A. GRCh37 (hg19) VCF-style: chr3-30713801-G-A.
Other names: p.Val376Met; c.1201G>A, p.Val401Met (NM_001024847.3); c.1309G>A, p.Val437Met (NM_001407126.1); c.1234G>A, p.Val412Met (NM_001407127.1); c.1153G>A, p.Val385Met (NM_001407128.1); c.1129G>A, p.Val377Met (NM_001407129.1); c.1126G>A, p.Val376Met (NM_001407130.1); c.1021G>A, p.Val341Met (NM_001407132.1, NM_001407133.1, NM_001407134.1 and 2 more transcripts); and 2 more; short protein forms V401M, V376M, V256M, V437M, V341M, V412M, V377M, V281M.
Identifiers: ClinVar variation 408436 (VCV000408436.18), dbSNP rs755967723, ClinGen allele CA045758.